The following is an entry in ClinVar:

NM_058216.3(RAD51C):c.1114C>A (p.Pro372Thr)

Gene: RAD51C (RAD51 paralog C; plus strand). Cytogenetic location: 17q22.
Variant type: single nucleotide variant.
Coding change: c.1114C>A on transcript NM_058216.3 (MANE Select); coding-DNA position 1114, C replaced by A.
Protein change: p.Pro372Thr; replaces proline 372 with threonine.
Molecular consequence: missense variant. On other transcripts: non-coding transcript variant (1).
Genome position (GRCh38, 1-based): chr17:58,734,205, C>A. VCF-style: chr17-58734205-C-A. GRCh37 (hg19) VCF-style: chr17-56811566-C-A.
Other names: c.*542C>A (NM_058217.1); short protein forms P372T.
Identifiers: ClinVar variation 2770794 (VCV002770794.3), dbSNP rs2144062880, ClinGen allele CA400366584.
Genomic context (GRCh38, chr17:58,734,205, plus strand): 5'-ACTTCTGCATGTTCATTGCAAACAGAAGGTTCCTTGAGCACCCGGAAACGGTCACGAGAC[C>A]CAGAGGAAGAATTATAACCCAGAAACAAATCTCAAAGTGTACAAATTTATTGATGTTGTG-3'
Protein context (NP_478123.1, residues 362-376): SLSTRKRSRD[Pro372Thr]EEEL

ClinVar aggregate classification (germline): Uncertain significance (1 of 4 stars; one submission).

Conditions:
Fanconi anemia complementation group O. Also called: RAD51C-Related Fanconi Anemia. Identifiers: Orphanet 84, MedGen C3150653, MONDO:0013248, OMIM 613390.

Submission:

Labcorp Genetics (formerly Invitae), Labcorp
Classification: Uncertain significance for Fanconi anemia complementation group O. Last evaluated: 2024-12-22. Review status: criteria provided, single submitter. Criteria: Invitae Variant Classification Sherloc (09022015). Collection method: clinical testing. Allele origin: germline.
Comment: This sequence change replaces proline, which is neutral and non-polar, with threonine, which is neutral and polar, at codon 372 of the RAD51C protein (p.Pro372Thr). This variant is not present in population databases (gnomAD no frequency). This variant has not been reported in the literature in individuals affected with RAD51C-related conditions. ClinVar contains an entry for this variant (Variation ID: 2770794). An algorithm developed to predict the effect of missense changes on protein structure and function (PolyPhen-2) suggests that this variant is likely to be tolerated. In summary, the available evidence is currently insufficient to determine the role of this variant in disease. Therefore, it has been classified as a Variant of Uncertain Significance.